The following is an entry in ClinVar:

ClinVar aggregate classification (germline): Uncertain significance. Review status: criteria provided, multiple submitters, no conflicts (2 of 4 stars). 2 submissions from 2 submitters: Uncertain significance (2). Last evaluated 2024-05-04.

Conditions:
Donnai-Barrow syndrome. Also called: DBS/FOAR SYNDROME; FACIOOCULOACOUSTICORENAL SYNDROME. Identifiers: Orphanet 2143, MedGen C1857277, MONDO:0009104, OMIM 222448.

Allele frequency attached by ClinVar (database versions not stated): TOPMed below 0.00001; gnomAD exomes 0.00001; ExAC 0.00002.
gnomAD v4.1: 9 of 1,614,168 alleles (0.00056%); highest among the groups gnomAD compares: Non-Finnish European, 0.00068%; no homozygotes.

Submissions (2):

Fulgent Genetics
Classification: Uncertain significance for Donnai-Barrow syndrome. Last evaluated: 2024-05-04. Review status: criteria provided, single submitter. Criteria: ACMG Guidelines, 2015. Collection method: clinical testing. Allele origin: germline.

GeneDx
Classification: Uncertain significance. Last evaluated: 2022-05-10. Review status: criteria provided, single submitter. Criteria: GeneDx Variant Classification Process June 2021. Collection method: clinical testing. Allele origin: germline. Affected: yes.
Comment: Not observed at significant frequency in large population cohorts (gnomAD); In silico analysis supports that this missense variant does not alter protein structure/function; Has not been previously published as pathogenic or benign to our knowledge

NM_004525.3(LRP2):c.10043G>A (p.Arg3348Lys)

Gene: LRP2 (LDL receptor related protein 2; minus strand). Cytogenetic location: 2q31.1.
Variant type: single nucleotide variant.
Coding change: c.10043G>A on transcript NM_004525.3 (MANE Select); coding-DNA position 10043, G replaced by A.
Protein change: p.Arg3348Lys; replaces arginine 3348 with lysine.
Molecular consequence: missense variant.
Genome position (GRCh38, 1-based): chr2:169,181,574, C>T on the plus strand (G>A on the coding strand, the complement: LRP2 is on the minus strand). VCF-style: chr2-169181574-C-T. GRCh37 (hg19) VCF-style: chr2-170038084-C-T.
Other names: short protein forms R3348K.
Identifiers: ClinVar variation 1723788 (VCV001723788.3), dbSNP rs770848108, ClinGen allele CA1953433.